The following is an entry in ClinVar:

ClinVar aggregate classification (germline): Pathogenic. Review status: criteria provided, multiple submitters, no conflicts (2 of 4 stars). 2 submissions from 2 submitters: Pathogenic (2). Last evaluated 2024-11-27.

Conditions:
Congenital diarrhea 7 with exudative enteropathy. Also called: Diarrhea 7. Identifiers: Orphanet 329242, MedGen C4014516, MONDO:0014375, OMIM 615863.

Submissions (2):

Victorian Clinical Genetics Services, Murdoch Childrens Research Institute
Classification: Pathogenic for Congenital diarrhea 7 with exudative enteropathy. Last evaluated: 2024-11-27. Review status: criteria provided, single submitter. Criteria: ACMG Guidelines, 2015. Collection method: clinical testing. Allele origin: germline. Affected: yes.
Comment: This variant is classified as Pathogenic. Evidence in support of pathogenic classification: Variant is predicted to cause nonsense-mediated decay (NMD) and loss of protein (premature termination codon is located at least 54 nucleotides upstream of the final exon-exon junction); Variant is present in gnomAD <0.01 for a recessive condition (v4: 8 heterozygote(s), 0 homozygote(s)); This variant has limited previous evidence of pathogenicity in an unrelated individual(s). This variant has been classified as pathogenic by a diagnostic laboratory in ClinVar; Other NMD-predicted variant(s) comparable to the one identified in this case have very strong previous evidence for pathogenicity (DECIPHER). Additional information: This variant is heterozygous; This gene is associated with autosomal recessive disease; No published segregation evidence has been identified for this variant; No published functional evidence has been identified for this variant; Loss of function is a known mechanism of disease in this gene and is associated with diarrhoea 7, protein-losing enteropathy type (MIM#615863); Heterozygous variant detected in trans with a second PATHOGENIC heterozygous variant, NM_012079.6(DGAT1):c.796_809del; p.(Asn266Serfs*14), in a recessive disease.

Labcorp Genetics (formerly Invitae), Labcorp
Classification: Pathogenic. Last evaluated: 2023-03-03. Review status: criteria provided, single submitter. Criteria: Invitae Variant Classification Sherloc (09022015). Collection method: clinical testing. Allele origin: germline.
Comment: This sequence change creates a premature translational stop signal (p.Gly397Alafs*23) in the DGAT1 gene. It is expected to result in an absent or disrupted protein product. Loss-of-function variants in DGAT1 are known to be pathogenic (PMID: 29604290). This variant is not present in population databases (gnomAD no frequency). This variant has not been reported in the literature in individuals affected with DGAT1-related conditions. For these reasons, this variant has been classified as Pathogenic.

Literature cited by the submitters: PubMed 29604290 (cited by Labcorp Genetics (formerly Invitae), Labcorp).

NM_012079.6(DGAT1):c.1190del (p.Gly397fs)

Gene: DGAT1 (diacylglycerol O-acyltransferase 1; minus strand). Cytogenetic location: 8q24.3.
Variant type: Deletion.
Coding change: c.1190del on transcript NM_012079.6 (MANE Select); coding-DNA position 1190, one base deleted (G; older notation c.1190delG).
Protein change: p.Gly397fs; shifts the reading frame from glycine 397.
Molecular consequence: frameshift variant.
Genome position (GRCh38, 1-based): chr8:144,317,080, C deleted on the plus strand (G on the coding strand, the reverse complement: DGAT1 is on the minus strand); the first of 4 consecutive C bases (chr8:144,317,080-144,317,083); deleting any one gives the same sequence. VCF-style (leftmost placement, unchanged base first): chr8-144317079-GC-G. GRCh37 (hg19) VCF-style: chr8-145540742-GC-G.
Other names: short protein forms G397fs.
Identifiers: ClinVar variation 2842666 (VCV002842666.5), dbSNP rs2488948192, ClinGen allele CA2579279606.